The following is an entry in ClinVar:

NM_022042.4(SLC26A1):c.949T>G (p.Ser317Ala)

Genes: IDUA (alpha-L-iduronidase; plus strand), SLC26A1 (solute carrier family 26 member 1; minus strand). Cytogenetic location: 4p16.3.
Variant type: single nucleotide variant.
Coding change: c.949T>G on transcript NM_022042.4 (MANE Select); coding-DNA position 949, T replaced by G.
Protein change: p.Ser317Ala; replaces serine 317 with alanine.
Molecular consequence: missense variant. On other transcripts: intron variant (2).
Genome position (GRCh38, 1-based): chr4:989,990, A>C on the plus strand (T>G on the coding strand, the complement: SLC26A1 is on the minus strand). VCF-style: chr4-989990-A-C. GRCh37 (hg19) VCF-style: chr4-983778-A-C.
Other names: c.949T>G, p.Ser317Ala (NM_213613.4); c.576+1138T>G (NM_134425.4); c.299+2041A>C (NM_000203.5); short protein forms S317A.
Identifiers: ClinVar variation 3591504 (VCV003591504.2).
Genomic context (GRCh38, chr4:989,990, plus strand): 5'-GCCTGGGCTCTGGGACCTGAGGGGGCATGAAACCCGTGGGGATGTCGCCAGCCACGCTCG[A>C]GCCAAAGCGCTTGTGGAGCTGCCCGAAGTGCGACACGAGTGTGGCCACCACGATGACCAG-3'
Protein context (NP_071325.2, residues 307-327): HFGQLHKRFG[Ser317Ala]SVAGDIPTGF

ClinVar aggregate classification (germline): Uncertain significance. Review status: criteria provided, multiple submitters, no conflicts (2 of 4 stars). 2 submissions from 2 submitters: Uncertain significance (2). Last evaluated 2025-03-29.

Conditions:
Hypersulfaturia (HYSULF). Identifiers: MedGen C5830511, MONDO:0957268, OMIM 620372.
Nephrolithiasis susceptibility caused by SLC26A1 (CAON1). Also called: NEPHROLITHIASIS, CALCIUM OXALATE, 1. Identifiers: MedGen C5779632, MONDO:0020722, OMIM 167030.

Submissions (2):

Labcorp Genetics (formerly Invitae), Labcorp
Classification: Uncertain significance. Last evaluated: 2025-03-29. Review status: criteria provided, single submitter. Criteria: Invitae Variant Classification Sherloc (09022015). Collection method: clinical testing. Allele origin: germline.
Comment: This sequence change replaces serine, which is neutral and polar, with alanine, which is neutral and non-polar, at codon 317 of the SLC26A1 protein (p.Ser317Ala). This variant is not present in population databases (gnomAD no frequency). This variant has not been reported in the literature in individuals affected with SLC26A1-related conditions. ClinVar contains an entry for this variant (Variation ID: 3591504). Invitae Evidence Modeling of protein sequence and biophysical properties (such as structural, functional, and spatial information, amino acid conservation, physicochemical variation, residue mobility, and thermodynamic stability) indicates that this missense variant is not expected to disrupt SLC26A1 protein function with a negative predictive value of 80%. In summary, the available evidence is currently insufficient to determine the role of this variant in disease. Therefore, it has been classified as a Variant of Uncertain Significance.

Fulgent Genetics
Classification: Uncertain significance for Nephrolithiasis susceptibility caused by SLC26A1; Hypersulfaturia. Last evaluated: 2024-04-29. Review status: criteria provided, single submitter. Criteria: ACMG Guidelines, 2015. Collection method: clinical testing. Allele origin: germline.